The following is an entry in ClinVar:

ClinVar aggregate classification (germline): Pathogenic (1 of 4 stars; one submission).

Conditions:
Hereditary spastic paraplegia 49 (HSAN9). Also called: TECPR2-Related Hereditary Sensory and Autonomic Neuropathy with Intellectual Disability; NEUROPATHY, HEREDITARY SENSORY AND AUTONOMIC, TYPE IX, WITH DEVELOPMENTAL DELAY; Spastic paraplegia 49, autosomal recessive. Identifiers: Orphanet 320385, MedGen C5190860, MONDO:0014016, OMIM 615031.

Submission:

Labcorp Genetics (formerly Invitae), Labcorp
Classification: Pathogenic for Hereditary spastic paraplegia 49. Last evaluated: 2022-02-05. Review status: criteria provided, single submitter. Criteria: Invitae Variant Classification Sherloc (09022015). Collection method: clinical testing. Allele origin: germline.
Comment: This sequence change creates a premature translational stop signal (p.Val986Serfs*3) in the TECPR2 gene. It is expected to result in an absent or disrupted protein product. Loss-of-function variants in TECPR2 are known to be pathogenic (PMID: 23176824, 25590979). This variant is not present in population databases (gnomAD no frequency). This variant has not been reported in the literature in individuals affected with TECPR2-related conditions. For these reasons, this variant has been classified as Pathogenic.

Literature cited by the submitters: PubMed 23176824; PubMed 25590979.

NM_014844.5(TECPR2):c.2955del (p.Val986fs)

Gene: TECPR2 (tectonin beta-propeller repeat containing 2; plus strand). Cytogenetic location: 14q32.31.
Variant type: Deletion.
Coding change: c.2955del on transcript NM_014844.5 (MANE Select); coding-DNA position 2955, one base deleted (C; older notation c.2955delC).
Protein change: p.Val986fs; shifts the reading frame from valine 986.
Molecular consequence: frameshift variant.
Genome position (GRCh38, 1-based): chr14:102,445,827, C deleted; the last of 3 consecutive C bases (chr14:102,445,825-102,445,827); deleting any one gives the same sequence. VCF-style (leftmost placement, unchanged base first): chr14-102445824-AC-A. GRCh37 (hg19) VCF-style: chr14-102912161-AC-A.
Other names: c.2955del, p.Val986fs (NM_001172631.3); short protein forms V986fs.
Identifiers: ClinVar variation 2093490 (VCV002093490.4), dbSNP rs2504446168, ClinGen allele CA2580088412.
Genomic context (GRCh38, chr14:102,445,824, plus strand): 5'-GCCTATGGGTGCTGACCCCCCTGTTCTCCTCCTTATTTTCAGCGAAAGGCAAGCTTTAGA[AC>A]CCGTCTGCATAACGCTCGGGGATCAGCAGACTCTCTGGGCCCTGGACATCCATGGGAACC-3'